The following is an entry in ClinVar:

NM_000782.5(CYP24A1):c.73C>G (p.Pro25Ala)

Gene: CYP24A1 (cytochrome P450 family 24 subfamily A member 1; minus strand). Cytogenetic location: 20q13.2.
Variant type: single nucleotide variant.
Coding change: c.73C>G on transcript NM_000782.5 (MANE Select); coding-DNA position 73, C replaced by G.
Protein change: p.Pro25Ala; replaces proline 25 with alanine.
Molecular consequence: missense variant.
Genome position (GRCh38, 1-based): chr20:54,173,507, G>C on the plus strand (C>G on the coding strand, the complement: CYP24A1 is on the minus strand). VCF-style: chr20-54173507-G-C. GRCh37 (hg19) VCF-style: chr20-52790046-G-C.
Other names: c.73C>G, p.Pro25Ala (NM_001128915.2); short protein forms P25A.
Identifiers: ClinVar variation 338839 (VCV000338839.8), dbSNP rs140851407, ClinGen allele CA9916282.
Genomic context (GRCh38, chr20:54,173,507, plus strand): 5'-GGCAGACTGGCACCTCTCGCGGCTGAGGGGACGTGTACGCCGTAGATGTCACCAGTCTCG[G>C]GGGCTGCCTCGGACTGCGCAGCTGCTGCAGGAAGGCGGCAAGCGAGCGGCTCTTGCTGAT-3'
Protein context (NP_000773.2, residues 15-35): LQQLRSPRQP[Pro25Ala]RLVTSTAYTS

ClinVar aggregate classification (germline): Uncertain significance. Review status: criteria provided, multiple submitters, no conflicts (2 of 4 stars). 3 submissions from 3 submitters: Uncertain significance (3). Last evaluated 2022-03-04.

Conditions:
Hypercalcemia, infantile, 1 (HCINF1). Identifiers: Orphanet 300547, MedGen CN031131, MONDO:0020739, OMIM 143880.

Allele frequency attached by ClinVar (database versions not stated): ExAC 0.00007; TOPMed 0.00003; gnomAD 0.00006; gnomAD exomes 0.00003.
gnomAD v4.1: 80 of 1,569,692 alleles (0.0051%); highest among the groups gnomAD compares: Middle Eastern, 0.033%; no homozygotes.

Submissions (3):

Labcorp Genetics (formerly Invitae), Labcorp
Classification: Uncertain significance. Last evaluated: 2022-03-04. Review status: criteria provided, single submitter. Criteria: Invitae Variant Classification Sherloc (09022015). Collection method: clinical testing. Allele origin: germline.
Comment: This sequence change replaces proline, which is neutral and non-polar, with alanine, which is neutral and non-polar, at codon 25 of the CYP24A1 protein (p.Pro25Ala). This variant is present in population databases (rs140851407, gnomAD 0.007%). This variant has not been reported in the literature in individuals affected with CYP24A1-related conditions. ClinVar contains an entry for this variant (Variation ID: 338839). Advanced modeling of protein sequence and biophysical properties (such as structural, functional, and spatial information, amino acid conservation, physicochemical variation, residue mobility, and thermodynamic stability) performed at Invitae indicates that this missense variant is not expected to disrupt CYP24A1 protein function. In summary, the available evidence is currently insufficient to determine the role of this variant in disease. Therefore, it has been classified as a Variant of Uncertain Significance.

Fulgent Genetics
Classification: Uncertain significance for Hypercalcemia, infantile, 1. Last evaluated: 2022-02-19. Review status: criteria provided, single submitter. Criteria: ACMG Guidelines, 2015. Collection method: clinical testing. Allele origin: unknown.

Illumina Laboratory Services, Illumina
Classification: Uncertain significance for Hypercalcemia, infantile, 1. Last evaluated: 2018-01-12. Review status: criteria provided, single submitter. Criteria: ICSL Variant Classification Criteria 13 December 2019. Collection method: clinical testing. Allele origin: germline.